The following is an entry in ClinVar:

ClinVar aggregate classification (germline): Uncertain significance (1 of 4 stars; one submission).

Conditions:
Inborn genetic diseases. Identifiers: MedGen C0950123, MeSH D030342.

gnomAD v4.1: 1 of 1,613,970 alleles (0.000062%); highest among the groups gnomAD compares: Non-Finnish European, 0.000085%; no homozygotes.

Submission:

Ambry Genetics
Classification: Uncertain significance for Inborn genetic diseases. Last evaluated: 2025-03-31. Review status: criteria provided, single submitter. Criteria: Ambry Variant Classification Scheme 2023. Collection method: clinical testing. Allele origin: germline.
Comment: The p.P62A variant (also known as c.184C>G), located in coding exon 2 of the CEP57 gene, results from a C to G substitution at nucleotide position 184. The proline at codon 62 is replaced by alanine, an amino acid with highly similar properties. This amino acid position is conserved. In addition, the in silico prediction for this alteration is inconclusive. Based on the available evidence, the clinical significance of this variant remains unclear.

NM_014679.5(CEP57):c.184C>G (p.Pro62Ala)

Gene: CEP57 (centrosomal protein 57; plus strand). Cytogenetic location: 11q21.
Variant type: single nucleotide variant.
Coding change: c.184C>G on transcript NM_014679.5 (MANE Select); coding-DNA position 184, C replaced by G.
Protein change: p.Pro62Ala; replaces proline 62 with alanine.
Molecular consequence: missense variant.
Genome position (GRCh38, 1-based): chr11:95,799,370, C>G. VCF-style: chr11-95799370-C-G. GRCh37 (hg19) VCF-style: chr11-95532534-C-G.
Other names: c.157C>G, p.Pro53Ala (NM_001243776.2); c.184C>G, p.Pro62Ala (NM_001243777.2); c.103C>G, p.Pro35Ala (NM_001363604.2); short protein forms P53A, P35A, P62A.
Identifiers: ClinVar variation 4000994 (VCV004000994.1).